The following is an entry in ClinVar:

ClinVar aggregate classification (germline): Uncertain significance (1 of 4 stars; one submission).

Conditions:
Sclerosteosis 2 (SOST2). Identifiers: Orphanet 3152, MedGen C3280402, MONDO:0013679, OMIM 614305.
Cenani-Lenz syndactyly syndrome. Also called: SYNDACTYLY, TYPE VII; CENANI SYNDACTYLISM. Identifiers: Orphanet 3258, MedGen C1859309, MONDO:0008931, OMIM 212780.
Congenital myasthenic syndrome 17. Identifiers: Orphanet 590, MedGen C4225377, MONDO:0014578, OMIM 616304.

Allele frequency attached by ClinVar (database versions not stated): gnomAD 0.00001.
gnomAD v4.1: 16 of 1,509,206 alleles (0.0011%); highest among the groups gnomAD compares: Non-Finnish European, 0.0014%; no homozygotes.

Submission:

Labcorp Genetics (formerly Invitae), Labcorp
Classification: Uncertain significance for Cenani-Lenz syndactyly syndrome; Sclerosteosis 2; Congenital myasthenic syndrome 17. Last evaluated: 2022-06-26. Review status: criteria provided, single submitter. Criteria: Invitae Variant Classification Sherloc (09022015). Collection method: clinical testing. Allele origin: germline.
Comment: In summary, the available evidence is currently insufficient to determine the role of this variant in disease. Therefore, it has been classified as a Variant of Uncertain Significance. Variants that disrupt the consensus splice site are a relatively common cause of aberrant splicing (PMID: 17576681, 9536098). Algorithms developed to predict the effect of sequence changes on RNA splicing suggest that this variant is not likely to affect RNA splicing. This variant has not been reported in the literature in individuals affected with LRP4-related conditions. This variant is present in population databases (no rsID available, gnomAD 0.007%). This sequence change falls in intron 1 of the LRP4 gene. It does not directly change the encoded amino acid sequence of the LRP4 protein. It affects a nucleotide within the consensus splice site.

Literature cited by the submitters: PubMed 17576681; PubMed 9536098.

NM_002334.4(LRP4):c.52+6C>A

Genes: LRP4 (LDL receptor related protein 4; minus strand), LOC130005663 (ATAC-STARR-seq lymphoblastoid silent region 3318; plus strand). Cytogenetic location: 11p11.2.
Variant type: single nucleotide variant.
Coding change: c.52+6C>A on transcript NM_002334.4 (MANE Select); 6 bases into the intron after coding-DNA position 52, C replaced by A.
Molecular consequence: intron variant.
Genome position (GRCh38, 1-based): chr11:46,918,322, G>T on the plus strand (C>A on the coding strand, the complement: LRP4 is on the minus strand). VCF-style: chr11-46918322-G-T. GRCh37 (hg19) VCF-style: chr11-46939873-G-T.
Identifiers: ClinVar variation 2051763 (VCV002051763.2), dbSNP rs1020743373, ClinGen allele CA599054562.